The following is an entry in ClinVar:

ClinVar aggregate classification (germline): Uncertain significance (1 of 4 stars; one submission).

Conditions:
Developmental and epileptic encephalopathy, 1 (DEE1). Also called: X-linked infantile spasms; West's syndrome; Tonic spasms with clustering, arrest of psychomotor development and hypsarrhythmia on EEG; X-Linked Infantile Spasm Syndrome; INFANTILE SPASM SYNDROME, X-LINKED 1; OHTAHARA SYNDROME, X-LINKED. Identifiers: MedGen C3463992, MONDO:0010632, OMIM 308350. Disease mechanism: loss of function.
Autosomal recessive spinocerebellar ataxia 12. Also called: SPINOCEREBELLAR ATAXIA WITH MENTAL RETARDATION AND EPILEPSY. Identifiers: Orphanet 284282, MedGen C3280452, MONDO:0013687, OMIM 614322.

gnomAD v4.1: 4 of 1,577,528 alleles (0.00025%); highest among the groups gnomAD compares: Non-Finnish European, 0.00026%; no homozygotes.

Submission:

Labcorp Genetics (formerly Invitae), Labcorp
Classification: Uncertain significance for Developmental and epileptic encephalopathy, 1; Autosomal recessive spinocerebellar ataxia 12. Last evaluated: 2023-08-04. Review status: criteria provided, single submitter. Criteria: Invitae Variant Classification Sherloc (09022015). Collection method: clinical testing. Allele origin: germline.
Comment: The frequency data for this variant in the population databases is considered unreliable, as metrics indicate poor data quality at this position in the gnomAD database. This sequence change replaces lysine, which is basic and polar, with glutamic acid, which is acidic and polar, at codon 28 of the WWOX protein (p.Lys28Glu). This variant has not been reported in the literature in individuals affected with WWOX-related conditions. ClinVar contains an entry for this variant (Variation ID: 2417031). An algorithm developed to predict the effect of missense changes on protein structure and function (PolyPhen-2) suggests that this variant¬¨‚Ä†is likely to be tolerated. In summary, the available evidence is currently insufficient to determine the role of this variant in disease. Therefore, it has been classified as a Variant of Uncertain Significance.

NM_016373.4(WWOX):c.82A>G (p.Lys28Glu)

Gene: WWOX (WW domain containing oxidoreductase; plus strand). Cytogenetic location: 16q23.1.
Variant type: single nucleotide variant.
Coding change: c.82A>G on transcript NM_016373.4 (MANE Select); coding-DNA position 82, A replaced by G.
Protein change: p.Lys28Glu; replaces lysine 28 with glutamic acid.
Molecular consequence: missense variant. On other transcripts: 5 prime UTR variant (1), non-coding transcript variant (2).
Genome position (GRCh38, 1-based): chr16:78,099,860, A>G. VCF-style: chr16-78099860-A-G. GRCh37 (hg19) VCF-style: chr16-78133757-A-G.
Other names: c.-193A>G (NM_001291997.2); c.82A>G, p.Lys28Glu (NM_130791.5); short protein forms K28E.
Identifiers: ClinVar variation 2417031 (VCV002417031.7), dbSNP rs771726317, ClinGen allele CA396841895.